The following is an entry in ClinVar:

ClinVar aggregate classification (germline): Uncertain significance (1 of 4 stars; one submission).

Submission:

GeneDx
Classification: Uncertain significance. Last evaluated: 2022-05-05. Review status: criteria provided, single submitter. Criteria: GeneDx Variant Classification Process June 2021. Collection method: clinical testing. Allele origin: germline. Affected: yes.
Comment: Not observed at significant frequency in large population cohorts (gnomAD); In silico analysis supports that this missense variant does not alter protein structure/function; Has not been previously published as pathogenic or benign to our knowledge

NM_001113491.2(SEPTIN9):c.1751C>G (p.Pro584Arg)

Gene: SEPTIN9 (septin 9; plus strand). Cytogenetic location: 17q25.3.
Variant type: single nucleotide variant.
Coding change: c.1751C>G on transcript NM_001113491.2 (MANE Select); coding-DNA position 1751, C replaced by G.
Protein change: p.Pro584Arg; replaces proline 584 with arginine.
Molecular consequence: missense variant.
Genome position (GRCh38, 1-based): chr17:77,498,648, C>G. VCF-style: chr17-77498648-C-G. GRCh37 (hg19) VCF-style: chr17-75494730-C-G.
Other names: c.1259C>G, p.Pro420Arg (NM_001113492.2, NM_001113494.1); c.1730C>G, p.Pro577Arg (NM_001113493.2); c.998C>G, p.Pro333Arg (NM_001113495.2, NM_001113496.2, NM_001293697.2 and 1 more transcripts); c.1694C>G, p.Pro565Arg (NM_001293695.2); c.1079C>G, p.Pro360Arg (NM_001293696.2); c.1697C>G, p.Pro566Arg (NM_006640.5); short protein forms P333R, P360R, P420R, P565R, P566R, P577R, P584R.
Identifiers: ClinVar variation 1722898 (VCV001722898.2), dbSNP rs753322947, ClinGen allele CA401205408.